The following is an entry in ClinVar:

NM_000271.5(NPC1):c.3591+118A>G

Gene: NPC1 (NPC intracellular cholesterol transporter 1; minus strand). Cytogenetic location: 18q11.2.
Variant type: single nucleotide variant.
Coding change: c.3591+118A>G on transcript NM_000271.5 (MANE Select); 118 bases into the intron after coding-DNA position 3591, A replaced by G.
Molecular consequence: intron variant.
Genome position (GRCh38, 1-based): chr18:23,534,328, T>C on the plus strand (A>G on the coding strand, the complement: NPC1 is on the minus strand). VCF-style: chr18-23534328-T-C. GRCh37 (hg19) VCF-style: chr18-21114292-T-C.
Identifiers: ClinVar variation 4982064 (VCV004982064.1).

ClinVar aggregate classification (germline): Likely benign (1 of 4 stars; one submission).

Conditions:
NPC1-related disorder. Also called: NPC1-related condition.

gnomAD v4.1: 19 of 755,572 alleles (0.0025%); highest among the groups gnomAD compares: Non-Finnish European, 0.0039%; no homozygotes.

Submission:

PreventionGenetics, part of Exact Sciences
Classification: Likely benign for NPC1-related condition. Last evaluated: 2025-11-19. Review status: criteria provided, single submitter. Criteria: ACMG Guidelines, 2015. Collection method: clinical testing. Allele origin: germline.
Comment: This variant is classified as likely benign based on ACMG/AMP sequence variant interpretation guidelines (Richards et al. 2015 PMID: 25741868, with internal and published modifications).